The following is an entry in ClinVar:

ClinVar aggregate classification (germline): Pathogenic. Review status: criteria provided, single submitter (1 of 4 stars). 2 submissions from 2 submitters: Pathogenic (1). 1 of the submissions does not count toward it. Last evaluated 2023-07-13.

Conditions:
Primary hyperoxaluria, type I (HP1). Also called: GLYCOLIC ACIDURIA; HEPATIC AGT DEFICIENCY; OXALOSIS I; Primary hyperoxaluria type 1. Identifiers: Orphanet 416, Orphanet 93598, MedGen C0268164, MONDO:0009823, OMIM 259900. Disease mechanism: loss of function.

gnomAD v4.1: 1 of 1,610,362 alleles (0.000062%); highest among the groups gnomAD compares: Non-Finnish European, 0.000085%; no homozygotes.

Submissions (2):

Labcorp Genetics (formerly Invitae), Labcorp
Classification: Pathogenic. Last evaluated: 2023-07-13. Review status: criteria provided, single submitter. Criteria: Invitae Variant Classification Sherloc (09022015). Collection method: clinical testing. Allele origin: germline.
Comment: This sequence change affects a donor splice site in intron 7 of the AGXT gene. It is expected to disrupt RNA splicing. Variants that disrupt the donor or acceptor splice site typically lead to a loss of protein function (PMID: 16199547), and loss-of-function variants in AGXT are known to be pathogenic (PMID: 19479957). This variant is not present in population databases (gnomAD no frequency). Disruption of this splice site has been observed in individual(s) with primary hyperoxaluria type 1 (PMID: 17460142). ClinVar contains an entry for this variant (Variation ID: 204158). Algorithms developed to predict the effect of sequence changes on RNA splicing suggest that this variant may disrupt the consensus splice site. For these reasons, this variant has been classified as Pathogenic.

Clinical Biochemistry Laboratory, Health Services Laboratory
Classification: Pathogenic for Primary hyperoxaluria, type I. Last evaluated: 2014-11-27. Review status: no assertion criteria provided. Collection method: research. Allele origin: germline. Affected: yes. Not counted in ClinVar's aggregate classification.

Literature cited by the submitters: PubMed 16199547 (cited by Labcorp Genetics (formerly Invitae), Labcorp); PubMed 19479957 (cited by Labcorp Genetics (formerly Invitae), Labcorp); PubMed 17460142 (cited by Labcorp Genetics (formerly Invitae), Labcorp and Clinical Biochemistry Laboratory, Health Services Laboratory).

NM_000030.3(AGXT):c.776+1G>C

Gene: AGXT (alanine--glyoxylate aminotransferase; plus strand). Cytogenetic location: 2q37.3.
Variant type: single nucleotide variant.
Coding change: c.776+1G>C on transcript NM_000030.3 (MANE Select); the canonical splice donor site of the intron after coding-DNA position 776, G replaced by C.
Molecular consequence: splice donor variant.
Genome position (GRCh38, 1-based): chr2:240,875,205, G>C. VCF-style: chr2-240875205-G-C. GRCh37 (hg19) VCF-style: chr2-241814622-G-C.
Identifiers: ClinVar variation 204158 (VCV000204158.5), dbSNP rs180177265, ClinGen allele CA275798.